The following is an entry in ClinVar:

NM_002458.3(MUC5B):c.976C>T (p.Pro326Ser)

Gene: MUC5B (mucin 5B, oligomeric mucus/gel-forming; plus strand). Cytogenetic location: 11p15.5.
Variant type: single nucleotide variant.
Coding change: c.976C>T on transcript NM_002458.3 (MANE Select); coding-DNA position 976, C replaced by T.
Protein change: p.Pro326Ser; replaces proline 326 with serine.
Molecular consequence: missense variant.
Genome position (GRCh38, 1-based): chr11:1,228,765, C>T. VCF-style: chr11-1228765-C-T. GRCh37 (hg19) VCF-style: chr11-1249995-C-T.
Other names: short protein forms P326S.
Identifiers: ClinVar variation 2641182 (VCV002641182.24), dbSNP rs758598055, ClinGen allele CA5804119.
Genomic context (GRCh38, chr11:1,228,765, plus strand): 5'-TCACGCCAGTGCGCCCACGCGGGGGGCCAGCCGCGGAACTGGAGGTGCCCTGAGCTCTGC[C>T]GTGAGTGCTCCCAGGGCCTTCGCCAGGGATTGTGCCAGAGAGAAGGGGCAGGGGGAGCGC-3'
Protein context (NP_002449.2, residues 316-336): PRNWRCPELC[Pro326Ser]RTCPLNMQHQ

ClinVar aggregate classification (germline): Likely benign (1 of 4 stars; one submission).

Allele frequency attached by ClinVar (database versions not stated): ExAC 0.00017; TOPMed 0.00026; gnomAD 0.00039; gnomAD exomes 0.00040.
gnomAD v4.1: 548 of 1,382,410 alleles (0.04%); highest among the groups gnomAD compares: Non-Finnish European, 0.048%; no homozygotes.

Submission:

CeGaT Center for Human Genetics Tuebingen
Classification: Likely benign. Last evaluated: 2022-10-01. Review status: criteria provided, single submitter. Criteria: CeGaT Center For Human Genetics Tuebingen Variant Classification Criteria Version 2. Collection method: clinical testing. Allele origin: germline. Affected: yes. Observed: 1 variant allele.
Comment: MUC5B: BP4